The following is an entry in ClinVar:

NM_018089.3(ANKZF1):c.1871C>T (p.Ala624Val)

Gene: ANKZF1 (ankyrin repeat and zinc finger peptidyl tRNA hydrolase 1; plus strand). Cytogenetic location: 2q35.
Variant type: single nucleotide variant.
Coding change: c.1871C>T on transcript NM_018089.3 (MANE Select); coding-DNA position 1871, C replaced by T.
Protein change: p.Ala624Val; replaces alanine 624 with valine.
Molecular consequence: missense variant.
Genome position (GRCh38, 1-based): chr2:219,235,775, C>T. VCF-style: chr2-219235775-C-T. GRCh37 (hg19) VCF-style: chr2-220100497-C-T.
Other names: c.1871C>T, p.Ala624Val (NM_001042410.2); c.1241C>T, p.Ala414Val (NM_001282792.2); short protein forms A624V, A414V.
Identifiers: ClinVar variation 2111510 (VCV002111510.4), dbSNP rs2544933148, ClinGen allele CA350687685.

ClinVar aggregate classification (germline): Uncertain significance (1 of 4 stars; one submission).

Submission:

Labcorp Genetics (formerly Invitae), Labcorp
Classification: Uncertain significance. Last evaluated: 2025-08-15. Review status: criteria provided, single submitter. Criteria: Invitae Variant Classification Sherloc (09022015). Collection method: clinical testing. Allele origin: germline.
Comment: This sequence change replaces alanine, which is neutral and non-polar, with valine, which is neutral and non-polar, at codon 624 of the ANKZF1 protein (p.Ala624Val). This variant is not present in population databases (gnomAD no frequency). This variant has not been reported in the literature in individuals affected with ANKZF1-related conditions. ClinVar contains an entry for this variant (Variation ID: 2111510). An algorithm developed to predict the effect of missense changes on protein structure and function (PolyPhen-2) suggests that this variant is likely to be tolerated. In summary, the available evidence is currently insufficient to determine the role of this variant in disease. Therefore, it has been classified as a Variant of Uncertain Significance.